The following is an entry in ClinVar:

ClinVar aggregate classification (germline): Uncertain significance. Review status: criteria provided, multiple submitters, no conflicts (2 of 4 stars). 2 submissions from 2 submitters: Uncertain significance (2). Last evaluated 2025-12-03.

Conditions:
F7-related disorder. Also called: F7-related condition.

Submissions (2):

PreventionGenetics, part of Exact Sciences
Classification: Uncertain significance for F7-related condition. Last evaluated: 2025-12-03. Review status: criteria provided, single submitter. Criteria: ACMG Guidelines, 2015. Collection method: clinical testing. Allele origin: germline.
Comment: The F7 c.-56C>T variant is located in the 5' untranslated region. To our knowledge, this variant has not been reported in the literature. This variant is reported in 0.0012% of alleles in individuals of European (Non-Finnish) descent in gnomAD. Alternate nucleotide changes in this region (c.-58G>C, c.-57C>T, c.-55C>T) have been reported in individuals affected with factor VII deficiency (Osaki et al. 2022. PubMed ID: 36123027; Borhany et al. 2013. PubMed ID: 23731332; Carew et al. 2000. PubMed ID: 11110717). At this time, the clinical significance of this variant is uncertain due to the absence of conclusive functional and genetic evidence.

Mayo Clinic Laboratories, Mayo Clinic
Classification: Uncertain significance. Last evaluated: 2024-12-11. Review status: criteria provided, single submitter. Criteria: ACMG Guidelines, 2015. Collection method: clinical testing. Allele origin: germline. Observed: 1 variant allele.
Comment: PM2_supporting

Literature cited by the submitters: PubMed 30797223 (cited by Mayo Clinic Laboratories, Mayo Clinic); PubMed 8576177 (cited by Mayo Clinic Laboratories, Mayo Clinic).

NC_000013.11:g.113105786C>T

Gene: F7 (coagulation factor VII; plus strand). Cytogenetic location: 13q34.
Variant type: single nucleotide variant.
Genome position: GRCh38 VCF-style: chr13-113105786-C-T. GRCh37 (hg19) VCF-style: chr13-113760100-C-T.
Other names: p.?.
Identifiers: ClinVar variation 4879337 (VCV004879337.2).